The following is an entry in ClinVar:

ClinVar aggregate classification (germline): Uncertain significance (1 of 4 stars; one submission).

Allele frequency attached by ClinVar (database versions not stated): gnomAD 0.00001; ExAC 0.00002; TOPMed 0.00002; gnomAD exomes 0.00006.
gnomAD v4.1: 92 of 1,609,592 alleles (0.0057%); highest among the groups gnomAD compares: Non-Finnish European, 0.0077%; no homozygotes.

Submission:

Labcorp Genetics (formerly Invitae), Labcorp
Classification: Uncertain significance. Last evaluated: 2022-09-12. Review status: criteria provided, single submitter. Criteria: Invitae Variant Classification Sherloc (09022015). Collection method: clinical testing. Allele origin: germline.
Comment: In summary, the available evidence is currently insufficient to determine the role of this variant in disease. Therefore, it has been classified as a Variant of Uncertain Significance. Algorithms developed to predict the effect of missense changes on protein structure and function (SIFT, PolyPhen-2, Align-GVGD) all suggest that this variant is likely to be disruptive. This variant has not been reported in the literature in individuals affected with NPR3-related conditions. This variant is present in population databases (rs778920303, gnomAD 0.002%). This sequence change replaces leucine, which is neutral and non-polar, with proline, which is neutral and non-polar, at codon 366 of the NPR3 protein (p.Leu366Pro).

NM_001204375.2(NPR3):c.1097T>C (p.Leu366Pro)

Gene: NPR3 (natriuretic peptide receptor 3; plus strand). Cytogenetic location: 5p13.3.
Variant type: single nucleotide variant.
Coding change: c.1097T>C on transcript NM_001204375.2 (MANE Select); coding-DNA position 1097, T replaced by C.
Protein change: p.Leu366Pro; replaces leucine 366 with proline.
Molecular consequence: missense variant.
Genome position (GRCh38, 1-based): chr5:32,774,745, T>C. VCF-style: chr5-32774745-T-C. GRCh37 (hg19) VCF-style: chr5-32774851-T-C.
Other names: c.1097T>C, p.Leu366Pro (NM_000908.4); c.449T>C, p.Leu150Pro (NM_001204376.2, NM_001363652.2); c.377T>C, p.Leu126Pro (NM_001364458.2); c.326T>C, p.Leu109Pro (NM_001364460.2); short protein forms L150P, L366P, L109P, L126P.
Identifiers: ClinVar variation 2158659 (VCV002158659.4), dbSNP rs778920303, ClinGen allele CA3222546.
Genomic context (GRCh38, chr5:32,774,745, plus strand): 5'-CCCATCTGGGGTTTTCTTTTCAGGTTAACATGTTTGTTGAAGGATTCCACGATGCCATCC[T>C]CCTCTACGTCTTGGCTCTACATGAAGTACTCAGAGCTGGTTACAGCAAAAAGGATGGAGG-3'
Protein context (NP_001191304.1, residues 356-376): MFVEGFHDAI[Leu366Pro]LYVLALHEVL